The following is an entry in ClinVar:

NM_198578.4(LRRK2):c.5807T>G (p.Leu1936Arg)

Gene: LRRK2 (leucine rich repeat kinase 2; plus strand). Cytogenetic location: 12q12.
Variant type: single nucleotide variant.
Coding change: c.5807T>G on transcript NM_198578.4 (MANE Select); coding-DNA position 5807, T replaced by G.
Protein change: p.Leu1936Arg; replaces leucine 1936 with arginine.
Molecular consequence: missense variant.
Genome position (GRCh38, 1-based): chr12:40,335,016, T>G. VCF-style: chr12-40335016-T-G. GRCh37 (hg19) VCF-style: chr12-40728818-T-G.
Other names: short protein forms L1936R.
Identifiers: ClinVar variation 2567379 (VCV002567379.2), dbSNP rs2499930248, ClinGen allele CA384401989.

ClinVar aggregate classification (germline): Uncertain significance (1 of 4 stars; one submission).

Conditions:
Inborn genetic diseases. Identifiers: MedGen C0950123, MeSH D030342.

Submission:

Ambry Genetics
Classification: Uncertain significance for Inborn genetic diseases. Last evaluated: 2023-04-28. Review status: criteria provided, single submitter. Criteria: Ambry Variant Classification Scheme 2023. Collection method: clinical testing. Allele origin: germline.
Comment: The p.L1936R variant (also known as c.5807T>G), located in coding exon 40 of the LRRK2 gene, results from a T to G substitution at nucleotide position 5807. The leucine at codon 1936 is replaced by arginine, an amino acid with dissimilar properties. This amino acid position is conserved. In addition, this alteration is predicted to be deleterious by in silico analysis. Since supporting evidence is limited at this time, the clinical significance of this alteration remains unclear.